The following is an entry in ClinVar:

NM_000218.3(KCNQ1):c.1891C>G (p.Pro631Ala)

Genes: KCNQ1 (potassium voltage-gated channel subfamily Q member 1; plus strand), KCNQ1-AS1 (KCNQ1 antisense RNA 1; minus strand). Cytogenetic location: 11p15.4.
Variant type: single nucleotide variant.
Coding change: c.1891C>G on transcript NM_000218.3 (MANE Select); coding-DNA position 1891, C replaced by G.
Protein change: p.Pro631Ala; replaces proline 631 with alanine.
Molecular consequence: missense variant.
Genome position (GRCh38, 1-based): chr11:2,847,863, C>G. VCF-style: chr11-2847863-C-G. GRCh37 (hg19) VCF-style: chr11-2869093-C-G.
Other names: c.1795C>G, p.Pro599Ala (NM_001406836.1); c.1621C>G, p.Pro541Ala (NM_001406837.1); c.1351C>G, p.Pro451Ala (NM_001406838.1); c.403C>G, p.Pro135Ala (NM_001406839.1); c.1510C>G, p.Pro504Ala (NM_181798.2); short protein forms P135A, P451A, P504A, P541A, P599A, P631A.
Identifiers: ClinVar variation 3074995 (VCV003074995.1), dbSNP rs1386976289, ClinGen allele CA379140369.

ClinVar aggregate classification (germline): Uncertain significance (1 of 4 stars; one submission).

Conditions:
Long QT syndrome (LQTS). Identifiers: MedGen C0023976, MeSH D008133, MONDO:0002442. Disease mechanism: loss of function. Inheritance: Various modes of inheritance.

Submission:

All of Us Research Program, National Institutes of Health
Classification: Uncertain significance for Long QT syndrome. Last evaluated: 2024-01-11. Review status: criteria provided, single submitter. Criteria: ACMG Guidelines, 2015. Collection method: clinical testing. Allele origin: germline. Inheritance: Autosomal dominant inheritance. Observed: 1 variant allele, 1 heterozygote.
Comment: This study involves interpretation of variants in research participants for the purpose of population health screening. Participant phenotype was not available at the time of variant classification. Additional details can be found in publication PMID: 35346344, PMCID: PMC8962531